The following is an entry in ClinVar:

NM_001734.5(C1S):c.853C>T (p.Leu285Phe)

Gene: C1S (complement C1s; plus strand). Cytogenetic location: 12p13.31.
Variant type: single nucleotide variant.
Coding change: c.853C>T on transcript NM_001734.5 (MANE Select); coding-DNA position 853, C replaced by T.
Protein change: p.Leu285Phe; replaces leucine 285 with phenylalanine.
Molecular consequence: missense variant.
Genome position (GRCh38, 1-based): chr12:7,065,952, C>T. VCF-style: chr12-7065952-C-T. GRCh37 (hg19) VCF-style: chr12-7173256-C-T.
Other names: c.352C>T, p.Leu118Phe (NM_001346850.2); c.853C>T, p.Leu285Phe (NM_201442.4); short protein forms L118F, L285F.
Identifiers: ClinVar variation 4810821 (VCV004810821.1).

ClinVar aggregate classification (germline): Uncertain significance (1 of 4 stars; one submission).

Submission:

Labcorp Genetics (formerly Invitae), Labcorp
Classification: Uncertain significance. Last evaluated: 2026-01-12. Review status: criteria provided, single submitter. Criteria: Invitae Variant Classification Sherloc (09022015). Collection method: clinical testing. Allele origin: germline.
Comment: This sequence change replaces leucine, which is neutral and non-polar, with phenylalanine, which is neutral and non-polar, at codon 285 of the C1S protein (p.Leu285Phe). This variant is not present in population databases (gnomAD no frequency). This variant has not been reported in the literature in individuals affected with C1S-related conditions. Invitae Evidence Modeling of protein sequence and biophysical properties (such as structural, functional, and spatial information, amino acid conservation, physicochemical variation, residue mobility, and thermodynamic stability) indicates that this missense variant is not expected to disrupt C1S protein function with a negative predictive value of 80%. Algorithms developed to predict the effect of sequence changes on RNA splicing suggest that this variant may disrupt the consensus splice site. In summary, the available evidence is currently insufficient to determine the role of this variant in disease. Therefore, it has been classified as a Variant of Uncertain Significance.